The following is an entry in ClinVar:

ClinVar aggregate classification (germline): Uncertain significance (0 of 4 stars; one submission).

Submission:

Greenwood Genetic Center Diagnostic Laboratories, Greenwood Genetic Center
Classification: Uncertain significance. Last evaluated: 2021-11-02. Review status: no assertion criteria provided. Collection method: clinical testing. Allele origin: germline. Affected: yes.
Comment: Gene of uncertain significance

NM_001282680.3(GAPVD1):c.1429C>T (p.Arg477Ter)

Gene: GAPVD1 (GTPase activating protein and VPS9 domains 1; plus strand). Cytogenetic location: 9q33.3.
Variant type: single nucleotide variant.
Coding change: c.1429C>T on transcript NM_001282680.3 (MANE Select); coding-DNA position 1429, C replaced by T.
Protein change: p.Arg477Ter; replaces arginine 477 with a stop codon.
Molecular consequence: nonsense. On other transcripts: non-coding transcript variant (2).
Genome position (GRCh38, 1-based): chr9:125,307,868, C>T. VCF-style: chr9-125307868-C-T. GRCh37 (hg19) VCF-style: chr9-128070147-C-T.
Other names: c.1429C>T, p.Arg477Ter (NM_001282679.2, NM_001282681.3, NM_001330777.3 and 11 more transcripts); short protein forms R477*.
Identifiers: ClinVar variation 1334636 (VCV001334636.4), dbSNP rs1177078143, ClinGen allele CA374910959.